The following is an entry in ClinVar:

ClinVar aggregate classification (germline): Uncertain significance (1 of 4 stars; one submission).

Conditions:
Inborn genetic diseases. Identifiers: MedGen C0950123, MeSH D030342.

Allele frequency attached by ClinVar (database versions not stated): gnomAD exomes below 0.00001.
gnomAD v4.1: 1 of 1,613,564 alleles (0.000062%); highest among the groups gnomAD compares: African/African-American, 0.0013%; no homozygotes.

Submission:

Ambry Genetics
Classification: Uncertain significance for Inborn genetic diseases. Last evaluated: 2019-05-12. Review status: criteria provided, single submitter. Criteria: Ambry Variant Classification Scheme 2023. Collection method: clinical testing. Allele origin: germline.
Comment: The p.E1145D variant (also known as c.3435G>C), located in coding exon 32 of the PLCB1 gene, results from a G to C substitution at nucleotide position 3435. The glutamic acid at codon 1145 is replaced by aspartic acid, an amino acid with highly similar properties. This amino acid position is well conserved in available vertebrate species; however, aspartic acid is the reference amino acid in other vertebrate species. In addition, this alteration is predicted to be tolerated by in silico analysis. Since supporting evidence is limited at this time, the clinical significance of this alteration remains unclear.

NM_015192.4(PLCB1):c.3435G>C (p.Glu1145Asp)

Gene: PLCB1 (phospholipase C beta 1; plus strand). Cytogenetic location: 20p12.3.
Variant type: single nucleotide variant.
Coding change: c.3435G>C on transcript NM_015192.4 (MANE Select); coding-DNA position 3435, G replaced by C.
Protein change: p.Glu1145Asp; replaces glutamic acid 1145 with aspartic acid.
Molecular consequence: missense variant. On other transcripts: 3 prime UTR variant (1).
Genome position (GRCh38, 1-based): chr20:8,881,633, G>C. VCF-style: chr20-8881633-G-C. GRCh37 (hg19) VCF-style: chr20-8862280-G-C.
Other names: c.*31G>C (NM_182734.3); short protein forms E1145D.
Identifiers: ClinVar variation 1731411 (VCV001731411.2), dbSNP rs1600112922, ClinGen allele CA408262849.